The following is an entry in ClinVar:

ClinVar aggregate classification (germline): Likely pathogenic (1 of 4 stars; one submission).

Submission:

Labcorp Genetics (formerly Invitae), Labcorp
Classification: Likely pathogenic. Last evaluated: 2024-05-28. Review status: criteria provided, single submitter. Criteria: Invitae Variant Classification Sherloc (09022015). Collection method: clinical testing. Allele origin: germline.
Comment: This sequence change affects a donor splice site in intron 1 of the TBX4 gene. It is expected to disrupt RNA splicing. Variants that disrupt the donor or acceptor splice site typically lead to a loss of protein function (PMID: 16199547), and loss-of-function variants in TBX4 are known to be pathogenic (PMID: 15106123, 31151956, 31761294, 31965066, 32079640). This variant is not present in population databases (gnomAD no frequency). This variant has not been reported in the literature in individuals affected with TBX4-related conditions. Algorithms developed to predict the effect of sequence changes on RNA splicing suggest that this variant may disrupt the consensus splice site. In summary, the currently available evidence indicates that the variant is pathogenic, but additional data are needed to prove that conclusively. Therefore, this variant has been classified as Likely Pathogenic.

Literature cited by the submitters: PubMed 16199547; PubMed 15106123; PubMed 31151956; PubMed 31761294; PubMed 31965066; PubMed 32079640.

NM_001321120.2(TBX4):c.186+1G>T

Gene: TBX4 (T-box transcription factor 4; plus strand). Cytogenetic location: 17q23.2.
Variant type: single nucleotide variant.
Coding change: c.186+1G>T on transcript NM_001321120.2 (MANE Select); the canonical splice donor site of the intron after coding-DNA position 186, G replaced by T.
Molecular consequence: splice donor variant.
Genome position (GRCh38, 1-based): chr17:61,456,677, G>T. VCF-style: chr17-61456677-G-T. GRCh37 (hg19) VCF-style: chr17-59534038-G-T.
Other names: c.186+1G>T (NM_018488.3).
Identifiers: ClinVar variation 3645017 (VCV003645017.2).